The following is an entry in ClinVar:

ClinVar aggregate classification (germline): Uncertain significance. Review status: criteria provided, multiple submitters, no conflicts (2 of 4 stars). 3 submissions from 3 submitters: Uncertain significance (3). Last evaluated 2024-11-11.

Conditions:
Cardiovascular phenotype. Identifiers: MedGen CN230736.
Myofibrillar myopathy 5. Also called: FILAMINOPATHY, AUTOSOMAL DOMINANT; Filaminopathy (type). Identifiers: Orphanet 171445, MedGen C1836050, MONDO:0012289, OMIM 609524.
Distal myopathy with posterior leg and anterior hand involvement. Also called: WILLIAMS DISTAL MYOPATHY. Identifiers: Orphanet 63273, MedGen C3279722, MONDO:0013550, OMIM 614065.
Hypertrophic cardiomyopathy 26. Also called: Cardiomyopathy, familial hypertrophic, 26. Identifiers: Orphanet 75249, MedGen C4310749, MONDO:0014883, OMIM 617047.

Allele frequency attached by ClinVar (database versions not stated): gnomAD 0.00001.
gnomAD v4.1: 1 of 1,614,118 alleles (0.000062%); highest among the groups gnomAD compares: African/African-American, 0.0013%; no homozygotes.

Submissions (3):

GeneDx
Classification: Uncertain significance. Last evaluated: 2024-11-11. Review status: criteria provided, single submitter. Criteria: GeneDx Variant Classification Process June 2021. Collection method: clinical testing. Allele origin: germline. Affected: yes.
Comment: Not observed at significant frequency in large population cohorts (gnomAD); In silico analysis supports that this missense variant has a deleterious effect on protein structure/function; Has not been previously published as pathogenic or benign to our knowledge

Labcorp Genetics (formerly Invitae), Labcorp
Classification: Uncertain significance for Distal myopathy with posterior leg and anterior hand involvement; Myofibrillar myopathy 5; Hypertrophic cardiomyopathy 26. Last evaluated: 2024-05-22. Review status: criteria provided, single submitter. Criteria: Invitae Variant Classification Sherloc (09022015). Collection method: clinical testing. Allele origin: germline.
Comment: This sequence change replaces proline, which is neutral and non-polar, with leucine, which is neutral and non-polar, at codon 1411 of the FLNC protein (p.Pro1411Leu). This variant is not present in population databases (gnomAD no frequency). This variant has not been reported in the literature in individuals affected with FLNC-related conditions. ClinVar contains an entry for this variant (Variation ID: 1693086). Advanced modeling of protein sequence and biophysical properties (such as structural, functional, and spatial information, amino acid conservation, physicochemical variation, residue mobility, and thermodynamic stability) has been performed at Invitae for this missense variant, however the output from this modeling did not meet the statistical confidence thresholds required to predict the impact of this variant on FLNC protein function. In summary, the available evidence is currently insufficient to determine the role of this variant in disease. Therefore, it has been classified as a Variant of Uncertain Significance.

Ambry Genetics
Classification: Uncertain significance for Cardiovascular phenotype. Last evaluated: 2021-07-15. Review status: criteria provided, single submitter. Criteria: Ambry Variant Classification Scheme 2023. Collection method: clinical testing. Allele origin: germline.
Comment: The p.P1411L variant (also known as c.4232C>T), located in coding exon 24 of the FLNC gene, results from a C to T substitution at nucleotide position 4232. The proline at codon 1411 is replaced by leucine, an amino acid with similar properties. This amino acid position is conserved. In addition, this alteration is predicted to be deleterious by in silico analysis. Since supporting evidence is limited at this time, the clinical significance of this alteration remains unclear.

NM_001458.5(FLNC):c.4232C>T (p.Pro1411Leu)

Gene: FLNC (filamin C; plus strand). Cytogenetic location: 7q32.1.
Variant type: single nucleotide variant.
Coding change: c.4232C>T on transcript NM_001458.5 (MANE Select); coding-DNA position 4232, C replaced by T.
Protein change: p.Pro1411Leu; replaces proline 1411 with leucine.
Molecular consequence: missense variant.
Genome position (GRCh38, 1-based): chr7:128,846,849, C>T. VCF-style: chr7-128846849-C-T. GRCh37 (hg19) VCF-style: chr7-128486903-C-T.
Other names: c.4232C>T, p.Pro1411Leu (NM_001127487.2); short protein forms P1411L.
Identifiers: ClinVar variation 1693086 (VCV001693086.7), dbSNP rs1808589575, ClinGen allele CA369200774.